The following is an entry in ClinVar:

ClinVar aggregate classification (germline): Benign/Likely benign. Review status: criteria provided, multiple submitters, no conflicts (2 of 4 stars). 3 submissions from 3 submitters: Benign (1); Likely benign (2). Last evaluated 2024-06-30.

Conditions:
Hypokalemic periodic paralysis, type 1. Also called: HypoPP; Hypokalemic Periodic Paralysis Type 1 (AD). Identifiers: Orphanet 681, MedGen C3714580, MONDO:0042979, OMIM 170400.
Malignant hyperthermia, susceptibility to, 5 (MHS5). Also called: CACNA1S-Related Malignant Hyperthermia Susceptibility. Identifiers: Orphanet 423, MedGen C1866077, MONDO:0011163, OMIM 601887.

Allele frequency attached by ClinVar (database versions not stated): TOPMed 0.00001; ExAC 0.00003; gnomAD exomes 0.00004.
gnomAD v4.1: 24 of 1,599,748 alleles (0.0015%); highest among the groups gnomAD compares: East Asian, 0.054%; no homozygotes.

Submissions (3):

Labcorp Genetics (formerly Invitae), Labcorp
Classification: Benign for Hypokalemic periodic paralysis, type 1; Malignant hyperthermia, susceptibility to, 5. Last evaluated: 2024-06-30. Review status: criteria provided, single submitter. Criteria: Invitae Variant Classification Sherloc (09022015). Collection method: clinical testing. Allele origin: germline.

All of Us Research Program, National Institutes of Health
Classification: Likely benign for Malignant hyperthermia, susceptibility to, 5. Last evaluated: 2023-02-15. Review status: criteria provided, single submitter. Criteria: ACMG Guidelines, 2015. Collection method: clinical testing. Allele origin: germline. Inheritance: Autosomal dominant inheritance. Observed: 1 variant allele, 1 heterozygote.
Comment: This study involves interpretation of variants in research participants for the purpose of population health screening. Participant phenotype was not available at the time of variant classification. Additional details can be found in publication PMID: 35346344, PMCID: PMC8962531

Color Diagnostics, LLC DBA Color Health
Classification: Likely benign for Malignant hyperthermia, susceptibility to, 5. Last evaluated: 2022-11-06. Review status: criteria provided, single submitter. Criteria: ACMG Guidelines, 2015. Collection method: clinical testing. Allele origin: germline.

NM_000069.3(CACNA1S):c.2457A>G (p.Glu819=)

Gene: CACNA1S (calcium voltage-gated channel subunit alpha1 S; minus strand). Cytogenetic location: 1q32.1.
Variant type: single nucleotide variant.
Coding change: c.2457A>G on transcript NM_000069.3 (MANE Select); coding-DNA position 2457, A replaced by G.
Protein change: p.Glu819=; no amino-acid change (glutamic acid 819 retained).
Molecular consequence: synonymous variant.
Genome position (GRCh38, 1-based): chr1:201,069,505, T>C on the plus strand (A>G on the coding strand, the complement: CACNA1S is on the minus strand). VCF-style: chr1-201069505-T-C. GRCh37 (hg19) VCF-style: chr1-201038633-T-C.
Identifiers: ClinVar variation 2168313 (VCV002168313.6), dbSNP rs770817376, ClinGen allele CA079000.
Genomic context (GRCh38, chr1:201,069,505, plus strand): 5'-AGTGGCAGAGAGGGTGAAGCCCGTCACCTGATTTCTCATGGAATCAGCCCGGATGGGGTC[T>C]TCCGCAGCCAGTGCAGCGCTGCTGAGCAGGATGAAGAGCAGGATGAAGTTGGTAAACCAG-3'
Protein context (NP_000060.2, residues 809-829): ILLSSAALAA[Glu819=]DPIRADSMRN